The following is an entry in ClinVar:

ClinVar aggregate classification (germline): Uncertain significance (1 of 4 stars; one submission).

Allele frequency attached by ClinVar (database versions not stated): ExAC 0.00002; gnomAD exomes 0.00002; 1000 Genomes Project 30x 0.00031; 1000 Genomes Project 0.00040.
gnomAD v4.1: 3 of 1,610,966 alleles (0.00019%); highest among the groups gnomAD compares: East Asian, 0.0067%; no homozygotes.

Submission:

Labcorp Genetics (formerly Invitae), Labcorp
Classification: Uncertain significance. Last evaluated: 2021-04-03. Review status: criteria provided, single submitter. Criteria: Invitae Variant Classification Sherloc (09022015). Collection method: clinical testing. Allele origin: germline.
Comment: This sequence change affects an acceptor splice site in intron 11 of the TNNI3K gene. It is expected to disrupt RNA splicing. Variants that disrupt the donor or acceptor splice site typically lead to a loss of protein function (PMID: 16199547), however the current clinical and genetic evidence is not sufficient to establish whether loss-of-function variants in TNNI3K cause disease. This variant is present in population databases (rs201223622, ExAC 0.03%). This variant has not been reported in the literature in individuals with TNNI3K-related conditions. In summary, the available evidence is currently insufficient to determine the role of this variant in disease. Therefore, it has been classified as a Variant of Uncertain Significance.

Literature cited by the submitters: PubMed 16199547.

NM_015978.3(TNNI3K):c.1178-2A>C

Genes: FPGT-TNNI3K (FPGT-TNNI3K readthrough; plus strand), TNNI3K (TNNI3 interacting kinase; plus strand). Cytogenetic location: 1p31.1.
Variant type: single nucleotide variant.
Coding change: c.1178-2A>C on transcript NM_015978.3 (MANE Select); the canonical splice acceptor site of the intron before coding-DNA position 1178, A replaced by C.
Molecular consequence: splice acceptor variant.
Genome position (GRCh38, 1-based): chr1:74,367,254, A>C. VCF-style: chr1-74367254-A-C. GRCh37 (hg19) VCF-style: chr1-74832938-A-C.
Other names: c.1481-2A>C (NM_001112808.3, NM_001199327.2).
Identifiers: ClinVar variation 1382054 (VCV001382054.8), dbSNP rs201223622, ClinGen allele CA909193.
Genomic context (GRCh38, chr1:74,367,254, plus strand): 5'-GAGTAGACTGAATAACTTAAACAAAATTTAGGACTCTTTGTTCTTTGTATCTTTTCATAA[A>C]GGGCATGATGCCATTGTCACACTCCTGAAGCATTATAAGAGACCACAAGATGAATTGCCC-3'